The following is an entry in ClinVar:

NM_016169.4(SUFU):c.455A>G (p.Glu152Gly)

Gene: SUFU (SUFU negative regulator of hedgehog signaling; plus strand). Cytogenetic location: 10q24.32.
Variant type: single nucleotide variant.
Coding change: c.455A>G on transcript NM_016169.4 (MANE Select); coding-DNA position 455, A replaced by G.
Protein change: p.Glu152Gly; replaces glutamic acid 152 with glycine.
Molecular consequence: missense variant.
Genome position (GRCh38, 1-based): chr10:102,592,582, A>G. VCF-style: chr10-102592582-A-G. GRCh37 (hg19) VCF-style: chr10-104352339-A-G.
Other names: c.455A>G, p.Glu152Gly (NM_001178133.2); short protein forms E152G.
Identifiers: ClinVar variation 5030354 (VCV005030354.1).
Genomic context (GRCh38, chr10:102,592,582, plus strand): 5'-CAGATTCCAGGCCTGGATCTGGGGCCTTGAACAATGAGGATCCTTGTATCTCTCCCACAG[A>G]GAACACCTTCTGCAGTGGGGACCATGTGTCCTGGCACAGCCCTTTGGATAACAGTGAGTC-3'
Protein context (NP_057253.2, residues 142-162): QGLARYVFQS[Glu152Gly]NTFCSGDHVS

ClinVar aggregate classification (germline): Uncertain significance (1 of 4 stars; one submission).

Conditions:
Hereditary cancer-predisposing syndrome. Also called: Neoplastic Syndromes, Hereditary; Tumor predisposition; Hereditary neoplastic syndrome; Hereditary Cancer Syndrome. Identifiers: Orphanet 140162, MedGen C0027672, MeSH D009386, MONDO:0015356.

Submission:

Ambry Genetics
Classification: Uncertain significance for Hereditary cancer-predisposing syndrome. Last evaluated: 2026-07-06. Review status: criteria provided, single submitter. Criteria: Ambry Variant Classification Scheme 2023. Collection method: clinical testing. Allele origin: germline.
Comment: The p.E152G variant (also known as c.455A>G) is located in coding exon 4 of the SUFU gene. The glutamic acid at codon 152 is replaced by glycine, an amino acid with similar properties. This change occurs in the first base pair of coding exon 4. This amino acid position is conserved. In addition, the in silico prediction for this alteration is inconclusive. Based on the available evidence, the clinical significance of this variant remains unclear.